The following is an entry in ClinVar:

NM_002755.4(MAP2K1):c.171G>T (p.Lys57Asn)

Gene: MAP2K1 (mitogen-activated protein kinase kinase 1; plus strand). Cytogenetic location: 15q22.31.
Variant type: single nucleotide variant.
Coding change: c.171G>T on transcript NM_002755.4 (MANE Select); coding-DNA position 171, G replaced by T.
Protein change: p.Lys57Asn; replaces lysine 57 with asparagine.
Molecular consequence: missense variant.
Genome position (GRCh38, 1-based): chr15:66,435,117, G>T. VCF-style: chr15-66435117-G-T. GRCh37 (hg19) VCF-style: chr15-66727455-G-T.
Other names: short protein forms K57N.
Identifiers: ClinVar variation 223140 (VCV000223140.7), dbSNP rs869025608, ClinGen allele CA356995.

ClinVar aggregate classification (germline): Pathogenic/Likely pathogenic. Review status: criteria provided, multiple submitters, no conflicts (2 of 4 stars). 5 submissions from 5 submitters: Pathogenic (2); Likely pathogenic (1). 2 of the submissions do not count toward it. Last evaluated 2025-04-22.

Conditions:
Vascular malformation. Also called: Vascular malformations. Identifiers: MedGen C0158570, MONDO:0024291.
Cardio-facio-cutaneous syndrome. Also called: Cardiofaciocutaneous syndrome; CFC syndrome. Identifiers: Orphanet 1340, MedGen C1275081, MONDO:0015280. Disease mechanism: gain of function.
Melorheostosis (MEL). Also called: MELORHEOSTOSIS, ISOLATED. Identifiers: Orphanet 2485, MedGen C3149631, MONDO:0007970, OMIM 155950, HP:6000817.

Submissions (5):

Department of Clinical Genetics, Copenhagen University Hospital, Rigshospitalet
Classification: Likely pathogenic for Melorheostosis. Last evaluated: 2025-04-22. Review status: criteria provided, single submitter. Criteria: ACMG Guidelines, 2015. Collection method: clinical testing. Allele origin: germline.
Comment: Detected variant allele frequency: 7%. The following ACMG criteria has been used modified using ClinGen Rasopathy guideline (PMID 29493581): PS2_M, PS3_M (PMID: 28190454, PMID: 29461977), PM1_M, PM2_su

Clinical Genomics Laboratory, Washington University in St. Louis
Classification: Pathogenic for Vascular malformation. Last evaluated: 2024-11-17. Review status: criteria provided, single submitter. Criteria: Leon-Quintero et al. (Clin Genet. 2025). Collection method: clinical testing. Allele origin: somatic. Affected: yes.
Comment: A MAP2K1 c.171G>T (p.Lys57Asn) variant was identified at an allelic fraction consistent with somatic origin. This variant has been reported in multiple individuals with arteriovenous malformations (Couto JA et al., PMID: 28190454; Maurus K et al., PMID: 34726260) and has also been identified in numerous cases in the cancer database COSMIC (Genomic Mutation ID: COSV61068581). The MAP2K1 c.171G>T (p.Lys57Asn) variant has been reported in the ClinVar database as pathogenic in a somatic state by one submitter (ClinVar ID: 223140). This variant is absent from the general population (gnomAD v.4.1.0), indicating it is not a common variant. It resides within the negative regulatory region of the MEK1 protein that is defined as a critical functional domain (Waterfall JJ et al., PMID: 24241536) and where pathogenic variants are known to cluster (Dentici ML et al., PMID: 19156172). Another variant in the same codon, c.169A>C (p.Lys57Gln), has been reported in affected individuals and is considered likely pathogenic (ClinVar ID: 40779). Functional studies show that the MAP2K1 c.171G>T (p.Lys57Asn) variant confers a gain of function to MEK1 as demonstrated by increased autophosphorylation and phosphorylation of downstream ERK and ribosomal protein S6 kinase (RSK), leading to increased cell viability, proliferation, and transformation, as well as resistance to some MEK and BRAF inhibitors (Marks JL et al., PMID: 18632602; Kinoshita-Kikuta E et al., PMID: 29753091; Grisham RN et al., PMID: 26324360; Ng PKS et al., PMID: 29533785; Arcila ME et al., PMID: 25351745; Mizuno S et al., PMID: 36442478). The MAP2K1 gene is defined by the ClinGen RASopathy expert panel as a gene that has a low rate of benign missense variation and where pathogenic missense variants are a common mechanism of disease (Gelb BD, et al., PMID: 29493581)Based on available information and an internally developed protocol informed by the ACMG/AMP guidelines for variant interpretation and gene-specific practices from the ClinGen Criteria Specification Registry (Leon-Quintero FZ et al., PMID: 39434542), the MAP2K1 c.171G>T (p.Lys57Asn) variant is classified as pathogenic.

Seattle Children's Hospital Molecular Genetics Laboratory, Seattle Children's Hospital
Classification: Pathogenic. Last evaluated: 2021-04-26. Review status: criteria provided, single submitter. Criteria: ACMG Guidelines, 2015. Collection method: clinical testing. Allele origin: somatic. Affected: yes. Observed: 3 variant alleles. Clinical features observed: Arteriovenous malformation (HP:0100026).
Comment: This variant has been previously reported in several unrelated individuals with arteriovenous malformations, and in vitro functional studies have demonstrated that the p.Lys57Asn substitution results in activation of downstream signaling (PMID: 28190454, PMID: 29461977). This variant has not been observed in large population studies (Genome Aggregation Database v2.1.1).

OMIM
Classification: Pathogenic for MELORHEOSTOSIS, ISOLATED, SOMATIC MOSAIC. Last evaluated: 2020-06-23. Review status: no assertion criteria provided. Collection method: literature only. Allele origin: somatic. Not counted in ClinVar's aggregate classification.

GeneReviews
No classification provided. Condition: Cardio-facio-cutaneous syndrome. Review status: no classification provided. Collection method: literature only. Allele origin: germline. Affected: yes. Not counted in ClinVar's aggregate classification.

Literature cited by the submitters: PubMed 29643386 (cited by OMIM); PubMed 18632602 (cited by GeneReviews); NCBI Bookshelf NBK1186 (cited by GeneReviews).